The following is an entry in ClinVar:

ClinVar aggregate classification (germline): Pathogenic (1 of 4 stars; one submission).

gnomAD v4.1: 3 of 1,613,520 alleles (0.00019%); highest among the groups gnomAD compares: Non-Finnish European, 0.00025%; no homozygotes.

Submission:

Labcorp Genetics (formerly Invitae), Labcorp
Classification: Pathogenic. Last evaluated: 2024-03-27. Review status: criteria provided, single submitter. Criteria: Invitae Variant Classification Sherloc (09022015). Collection method: clinical testing. Allele origin: germline.
Comment: This sequence change creates a premature translational stop signal (p.Gln1650*) in the MYH3 gene. It is expected to result in an absent or disrupted protein product. Loss-of-function variants in MYH3 are known to be pathogenic (PMID: 29805041, 30008475). This variant is present in population databases (no rsID available, gnomAD 0.0009%). This variant has not been reported in the literature in individuals affected with MYH3-related conditions. For these reasons, this variant has been classified as Pathogenic.

Literature cited by the submitters: PubMed 29805041; PubMed 30008475.

NM_002470.4(MYH3):c.4948C>T (p.Gln1650Ter)

Gene: MYH3 (myosin heavy chain 3; minus strand). Cytogenetic location: 17p13.1.
Variant type: single nucleotide variant.
Coding change: c.4948C>T on transcript NM_002470.4 (MANE Select); coding-DNA position 4948, C replaced by T.
Protein change: p.Gln1650Ter; replaces glutamine 1650 with a stop codon.
Molecular consequence: nonsense.
Genome position (GRCh38, 1-based): chr17:10,632,484, G>A on the plus strand (C>T on the coding strand, the complement: MYH3 is on the minus strand). VCF-style: chr17-10632484-G-A. GRCh37 (hg19) VCF-style: chr17-10535801-G-A.
Other names: short protein forms Q1650*.
Identifiers: ClinVar variation 3625992 (VCV003625992.2).